The following is an entry in ClinVar:

NM_006269.2(RP1):c.1328del (p.Lys443fs)

Gene: RP1 (RP1 axonemal microtubule associated; plus strand). Cytogenetic location: 8q12.1.
Variant type: Deletion.
Coding change: c.1328del on transcript NM_006269.2 (MANE Select); coding-DNA position 1328, one base deleted (A; older notation c.1328delA).
Protein change: p.Lys443fs; shifts the reading frame from lysine 443.
Molecular consequence: frameshift variant. On other transcripts: intron variant (1).
Genome position (GRCh38, 1-based): chr8:54,625,210, A deleted; the last of 3 consecutive A bases (chr8:54,625,208-54,625,210); deleting any one gives the same sequence. VCF-style (leftmost placement, unchanged base first): chr8-54625207-CA-C. GRCh37 (hg19) VCF-style: chr8-55537767-CA-C.
Other names: c.787+2922del (NM_001375654.1); short protein forms K443fs.
Identifiers: ClinVar variation 2118773 (VCV002118773.5), dbSNP rs1315181384, ClinGen allele CA582187935.
Genomic context (GRCh38, chr8:54,625,207, plus strand): 5'-CTGCTAGTTGGGAGAATGCTACTGTGGACACAGATATCATCCAGGGAACTCAAGACCAAG[CA>C]AAGCATCGTTTTTATAGGCCCCCTACACCTGGACTAAGAAGAGTGAGACAAAAGAAATCT-3'

ClinVar aggregate classification (germline): Pathogenic. Review status: criteria provided, multiple submitters, no conflicts (2 of 4 stars). 2 submissions from 2 submitters: Pathogenic (2). Last evaluated 2022-09-29.

Conditions:
RP1-related disorder. Also called: RP1-related condition.

Submissions (2):

Blueprint Genetics
Classification: Pathogenic for RP1-related disorders. Last evaluated: 2022-09-29. Review status: criteria provided, single submitter. Criteria: ACMG Guidelines, 2015. Collection method: clinical testing. Allele origin: germline. Affected: yes. Observed: 4 variant alleles.

Labcorp Genetics (formerly Invitae), Labcorp
Classification: Pathogenic. Last evaluated: 2022-06-26. Review status: criteria provided, single submitter. Criteria: Invitae Variant Classification Sherloc (09022015). Collection method: clinical testing. Allele origin: germline.
Comment: For these reasons, this variant has been classified as Pathogenic. This variant disrupts the C-terminus of the RP1 protein. Many variants that disrupt this region have been reported in individuals with either autosomal dominant or autosomal recessive retinitis pigmentosa (PMID: 11527933, 19933189, 29425069, 30027431, 33681214). Therefore, variants that disrupt this region are expected to be disease-causing. This variant has not been reported in the literature in individuals affected with RP1-related conditions. The frequency data for this variant in the population databases is considered unreliable, as metrics indicate poor data quality at this position in the gnomAD database. This sequence change creates a premature translational stop signal (p.Lys443Serfs*12) in the RP1 gene. While this is not anticipated to result in nonsense mediated decay, it is expected to disrupt the last 1714 amino acid(s) of the RP1 protein.

Literature cited by the submitters: PubMed 11527933 (cited by Labcorp Genetics (formerly Invitae), Labcorp); PubMed 19933189 (cited by Labcorp Genetics (formerly Invitae), Labcorp); PubMed 29425069 (cited by Labcorp Genetics (formerly Invitae), Labcorp); PubMed 30027431 (cited by Labcorp Genetics (formerly Invitae), Labcorp); PubMed 33681214 (cited by Labcorp Genetics (formerly Invitae), Labcorp).